The following is an entry in ClinVar:

ClinVar aggregate classification (germline): Conflicting classifications of pathogenicity. Review status: criteria provided, conflicting classifications (1 of 4 stars). 2 submissions from 2 submitters: Uncertain significance (1); Likely benign (1). Last evaluated 2026-07-01.

Conditions:
Gorlin syndrome. Also called: Basal cell nevus syndrome; Nevoid Basal Cell Carcinoma Syndrome. Identifiers: Orphanet 377, MedGen C0004779, MONDO:0007187.
Hereditary cancer-predisposing syndrome. Also called: Tumor predisposition; Hereditary Cancer Syndrome; Hereditary neoplastic syndrome; Neoplastic Syndromes, Hereditary. Identifiers: Orphanet 140162, MedGen C0027672, MeSH D009386, MONDO:0015356.

gnomAD v4.1: 1 of 1,609,122 alleles (0.000062%); highest among the groups gnomAD compares: Non-Finnish European, 0.000085%; no homozygotes.

Submissions (2):

Ambry Genetics
Classification: Likely benign for Hereditary cancer-predisposing syndrome. Last evaluated: 2026-07-01. Review status: criteria provided, single submitter. Criteria: Ambry Variant Classification Scheme 2023. Collection method: clinical testing. Allele origin: germline.

Labcorp Genetics (formerly Invitae), Labcorp
Classification: Uncertain significance for Gorlin syndrome. Last evaluated: 2024-07-03. Review status: criteria provided, single submitter. Criteria: Invitae Variant Classification Sherloc (09022015). Collection method: clinical testing. Allele origin: germline.
Comment: This sequence change replaces histidine, which is basic and polar, with arginine, which is basic and polar, at codon 1287 of the PTCH1 protein (p.His1287Arg). This variant is not present in population databases (gnomAD no frequency). This variant has not been reported in the literature in individuals affected with PTCH1-related conditions. Advanced modeling of protein sequence and biophysical properties (such as structural, functional, and spatial information, amino acid conservation, physicochemical variation, residue mobility, and thermodynamic stability) performed at Invitae indicates that this missense variant is not expected to disrupt PTCH1 protein function with a negative predictive value of 95%. In summary, the available evidence is currently insufficient to determine the role of this variant in disease. Therefore, it has been classified as a Variant of Uncertain Significance.

NM_000264.5(PTCH1):c.3860A>G (p.His1287Arg)

Gene: PTCH1 (patched 1; minus strand). Cytogenetic location: 9q22.32.
Variant type: single nucleotide variant.
Coding change: c.3860A>G on transcript NM_000264.5 (MANE Select); coding-DNA position 3860, A replaced by G.
Protein change: p.His1287Arg; replaces histidine 1287 with arginine.
Molecular consequence: missense variant. On other transcripts: non-coding transcript variant (1).
Genome position (GRCh38, 1-based): chr9:95,447,396, T>C on the plus strand (A>G on the coding strand, the complement: PTCH1 is on the minus strand). VCF-style: chr9-95447396-T-C. GRCh37 (hg19) VCF-style: chr9-98209678-T-C.
Other names: c.3662A>G, p.His1221Arg (NM_001083602.3); c.3857A>G, p.His1286Arg (NM_001083603.3); c.3407A>G, p.His1136Arg (NM_001083604.3, NM_001083605.3, NM_001083606.3 and 1 more transcripts); c.3704A>G, p.His1235Arg (NM_001354918.2); short protein forms H1136R, H1287R, H1221R, H1235R, H1286R.
Identifiers: ClinVar variation 3427326 (VCV003427326.4).